The following is an entry in ClinVar:

ClinVar aggregate classification (germline): Uncertain significance (1 of 4 stars; one submission).

Conditions:
Sphingolipid activator protein 1 deficiency. Also called: METACHROMATIC LEUKODYSTROPHY DUE TO CEREBROSIDE SULFATASE ACTIVATOR DEFICIENCY; Metachromatic leukodystrophy due to saposin B deficiency; Saposin B Deficiency. Identifiers: Orphanet 512, MedGen C0268262, MONDO:0009590, OMIM 249900.

Allele frequency attached by ClinVar (database versions not stated): gnomAD exomes below 0.00001; TOPMed below 0.00001; gnomAD 0.00001.
gnomAD v4.1: 3 of 1,613,970 alleles (0.00019%); highest among the groups gnomAD compares: African/African-American, 0.0013%; no homozygotes.

Submission:

Labcorp Genetics (formerly Invitae), Labcorp
Classification: Uncertain significance for Sphingolipid activator protein 1 deficiency. Last evaluated: 2021-09-24. Review status: criteria provided, single submitter. Criteria: Invitae Variant Classification Sherloc (09022015). Collection method: clinical testing. Allele origin: germline.
Comment: This sequence change replaces serine with asparagine at codon 377 of the PSAP protein (p.Ser377Asn). The serine residue is weakly conserved and there is a small physicochemical difference between serine and asparagine. This variant is not present in population databases (ExAC no frequency). This variant has not been reported in the literature in individuals affected with PSAP-related conditions. Algorithms developed to predict the effect of missense changes on protein structure and function output the following: SIFT: "Not Available"; PolyPhen-2: "Benign"; Align-GVGD: "Not Available". The asparagine amino acid residue is found in multiple mammalian species, which suggests that this missense change does not adversely affect protein function. In summary, the available evidence is currently insufficient to determine the role of this variant in disease. Therefore, it has been classified as a Variant of Uncertain Significance.

NM_002778.4(PSAP):c.1130G>A (p.Ser377Asn)

Gene: PSAP (prosaposin; minus strand). Cytogenetic location: 10q22.1.
Variant type: single nucleotide variant.
Coding change: c.1130G>A on transcript NM_002778.4 (MANE Select); coding-DNA position 1130, G replaced by A.
Protein change: p.Ser377Asn; replaces serine 377 with asparagine.
Molecular consequence: missense variant.
Genome position (GRCh38, 1-based): chr10:71,819,776, C>T on the plus strand (G>A on the coding strand, the complement: PSAP is on the minus strand). VCF-style: chr10-71819776-C-T. GRCh37 (hg19) VCF-style: chr10-73579533-C-T.
Other names: c.1139G>A, p.Ser380Asn (NM_001042465.3); c.1136G>A, p.Ser379Asn (NM_001042466.3); short protein forms S377N, S379N, S380N.
Identifiers: ClinVar variation 1506989 (VCV001506989.5), dbSNP rs1234853998, ClinGen allele CA377144189.
Genomic context (GRCh38, chr10:71,819,776, plus strand): 5'-GTCAGTGCAGGCAGCCGCGTGCCAGAGCAGAGGTGCAGCATGCTGCACACCAGCTCAGGG[C>T]TGACCTCCTCCAGCAGGATGGACAGGATGGAGCTGCCGTACGTGTCCACCACCTCCTGGC-3'
Protein context (NP_002769.1, residues 367-387): SILSILLEEV[Ser377Asn]PELVCSMLHL